The following is an entry in ClinVar:

NM_001330360.2(POLA1):c.1849G>A (p.Val617Ile)

Gene: POLA1 (DNA polymerase alpha 1, catalytic subunit; plus strand). Cytogenetic location: Xp22.11.
Variant type: single nucleotide variant.
Coding change: c.1849G>A on transcript NM_001330360.2 (MANE Select); coding-DNA position 1849, G replaced by A.
Protein change: p.Val617Ile; replaces valine 617 with isoleucine.
Molecular consequence: missense variant. On other transcripts: non-coding transcript variant (2).
Genome position (GRCh38, 1-based): chrX:24,735,414, G>A. VCF-style: chrX-24735414-G-A. GRCh37 (hg19) VCF-style: chrX-24753531-G-A.
Other names: c.1774G>A, p.Val592Ile (NM_001378303.1); c.1849G>A, p.Val617Ile (NM_001440806.1); c.1831G>A, p.Val611Ile (NM_016937.4); short protein forms V617I, V592I, V611I.
Identifiers: ClinVar variation 4988128 (VCV004988128.1).

ClinVar aggregate classification (germline): Uncertain significance (1 of 4 stars; one submission).

Conditions:
POLA1-related disorder. Also called: POLA1-related condition.

Submission:

PreventionGenetics, part of Exact Sciences
Classification: Uncertain significance for POLA1-related condition. Last evaluated: 2026-06-08. Review status: criteria provided, single submitter. Criteria: ACMG Guidelines, 2015. Collection method: clinical testing. Allele origin: germline.
Comment: The POLA1 c.1831G>A variant is predicted to result in the amino acid substitution p.Val611Ile. To our knowledge, this variant has not been reported in the literature or in a large population database (gnomAD), indicating this variant is rare. At this time, the clinical significance of this variant is uncertain due to the absence of conclusive functional and genetic evidence.